The following is an entry in ClinVar:

ClinVar aggregate classification (germline): Uncertain significance (1 of 4 stars; one submission).

Submission:

CeGaT Center for Human Genetics Tuebingen
Classification: Uncertain significance. Last evaluated: 2026-07-01. Review status: criteria provided, single submitter. Criteria: CeGaT Center For Human Genetics Tuebingen Variant Classification Criteria Version 2. Collection method: clinical testing. Allele origin: germline. Affected: yes. Observed: 1 variant allele.
Comment: COL11A2: PM2

NM_080680.3(COL11A2):c.1234C>T (p.Pro412Ser)

Gene: COL11A2 (collagen type XI alpha 2 chain; minus strand). Cytogenetic location: 6p21.32.
Variant type: single nucleotide variant.
Coding change: c.1234C>T on transcript NM_080680.3 (MANE Select); coding-DNA position 1234, C replaced by T.
Protein change: p.Pro412Ser; replaces proline 412 with serine.
Molecular consequence: missense variant.
Genome position (GRCh38, 1-based): chr6:33,180,718, G>A on the plus strand (C>T on the coding strand, the complement: COL11A2 is on the minus strand). VCF-style: chr6-33180718-G-A. GRCh37 (hg19) VCF-style: chr6-33148495-G-A.
Other names: c.1054C>T, p.Pro352Ser (NM_001424108.1); c.388C>T, p.Pro130Ser (NM_001424109.1); c.208C>T, p.Pro70Ser (NM_001424110.1, NM_001424111.1); c.913C>T, p.Pro305Ser (NM_080679.3); c.976C>T, p.Pro326Ser (NM_080681.3); short protein forms P130S, P305S, P326S, P352S, P412S, P70S.
Identifiers: ClinVar variation 5039170 (VCV005039170.1).